The following is an entry in ClinVar:

ClinVar aggregate classification (germline): Uncertain significance (1 of 4 stars; one submission).

Conditions:
Amyotrophic lateral sclerosis type 21. Also called: VOCAL CORD AND PHARYNGEAL DYSFUNCTION WITH DISTAL MYOPATHY; MYOPATHY, DISTAL, 2. Identifiers: Orphanet 600, Orphanet 803, MedGen C3807521, MONDO:0011632, OMIM 606070.

Allele frequency attached by ClinVar (database versions not stated): gnomAD exomes below 0.00001; gnomAD 0.00001.
gnomAD v4.1: 4 of 1,614,060 alleles (0.00025%); highest among the groups gnomAD compares: African/African-American, 0.0013%; no homozygotes.

Submission:

Labcorp Genetics (formerly Invitae), Labcorp
Classification: Uncertain significance for Amyotrophic lateral sclerosis type 21. Last evaluated: 2023-04-15. Review status: criteria provided, single submitter. Criteria: Invitae Variant Classification Sherloc (09022015). Collection method: clinical testing. Allele origin: germline.
Comment: In summary, the available evidence is currently insufficient to determine the role of this variant in disease. Therefore, it has been classified as a Variant of Uncertain Significance. Advanced modeling of protein sequence and biophysical properties (such as structural, functional, and spatial information, amino acid conservation, physicochemical variation, residue mobility, and thermodynamic stability) performed at Invitae indicates that this missense variant is not expected to disrupt MATR3 protein function. This variant has not been reported in the literature in individuals affected with MATR3-related conditions. This variant is present in population databases (no rsID available, gnomAD 0.01%). This sequence change replaces arginine, which is basic and polar, with histidine, which is basic and polar, at codon 192 of the MATR3 protein (p.Arg192His).

NM_018834.6(MATR3):c.575G>A (p.Arg192His)

Gene: MATR3 (matrin 3; plus strand). Cytogenetic location: 5q31.2.
Variant type: single nucleotide variant.
Coding change: c.575G>A on transcript NM_018834.6 (MANE Select); coding-DNA position 575, G replaced by A.
Protein change: p.Arg192His; replaces arginine 192 with histidine.
Molecular consequence: missense variant. On other transcripts: intron variant (11).
Genome position (GRCh38, 1-based): chr5:139,307,990, G>A. VCF-style: chr5-139307990-G-A. GRCh37 (hg19) VCF-style: chr5-138643679-G-A.
Other names: c.575G>A, p.Arg192His (NM_001194954.2, NM_001194955.2, NM_001400441.1 and 16 more transcripts); c.52-6685G>A (NM_001400459.1); c.-102-6685G>A (NM_001400463.1, NM_001400460.1, NM_001282278.2 and 3 more transcripts); c.-40-7707G>A (NM_001400462.1, NM_001400467.1); c.13-6685G>A (NM_001400461.1); c.49-6685G>A (NM_001194956.2); short protein forms R192H.
Identifiers: ClinVar variation 2786753 (VCV002786753.3), dbSNP rs754659221, ClinGen allele CA361487581.